The following is an entry in ClinVar:

ClinVar aggregate classification (germline): Likely pathogenic (1 of 4 stars; one submission).

Conditions:
Spondyloepiphyseal dysplasia congenita (SEDC). Also called: SED CONGENITA; SPONDYLOEPIPHYSEAL DYSPLASIA, CONGENITAL TYPE. Identifiers: Orphanet 94068, MedGen C2745959, MONDO:0008471, OMIM 183900.

Submission:

Institute of Human Genetics, University of Goettingen
Classification: Likely pathogenic for Spondyloepiphyseal dysplasia congenita. Last evaluated: 2023-01-18. Review status: criteria provided, single submitter. Criteria: ACMG Guidelines, 2015. Collection method: clinical testing. Allele origin: de novo. Inheritance: Autosomal dominant inheritance. Affected: yes.
Comment: Affects glycine in triple helical region. Another missense variant of the same residue has been described in MED.

Literature cited by the submitters: PubMed 20513134.

NM_001844.5(COL2A1):c.1502G>A (p.Gly501Glu)

Gene: COL2A1 (collagen type II alpha 1 chain; minus strand). Cytogenetic location: 12q13.11.
Variant type: single nucleotide variant.
Coding change: c.1502G>A on transcript NM_001844.5 (MANE Select); coding-DNA position 1502, G replaced by A.
Protein change: p.Gly501Glu; replaces glycine 501 with glutamic acid.
Molecular consequence: missense variant.
Genome position (GRCh38, 1-based): chr12:47,986,361, C>T on the plus strand (G>A on the coding strand, the complement: COL2A1 is on the minus strand). VCF-style: chr12-47986361-C-T. GRCh37 (hg19) VCF-style: chr12-48380144-C-T.
Other names: c.1295G>A, p.Gly432Glu (NM_033150.3); short protein forms G432E, G501E.
Identifiers: ClinVar variation 1895438 (VCV001895438.3), dbSNP rs1455304547, ClinGen allele CA384552504.